The following is an entry in ClinVar:

ClinVar aggregate classification (germline): Pathogenic (1 of 4 stars; one submission).

Submission:

Labcorp Genetics (formerly Invitae), Labcorp
Classification: Pathogenic. Last evaluated: 2022-10-28. Review status: criteria provided, single submitter. Criteria: Invitae Variant Classification Sherloc (09022015). Collection method: clinical testing. Allele origin: germline.
Comment: For these reasons, this variant has been classified as Pathogenic. This variant disrupts a region of the TRMU protein in which other variant(s) (c.1102-3C>G) have been determined to be pathogenic (PMID: 21931168). This suggests that this is a clinically significant region of the protein, and that variants that disrupt it are likely to be disease-causing. This variant has not been reported in the literature in individuals affected with TRMU-related conditions. This variant is not present in population databases (gnomAD no frequency). This sequence change creates a premature translational stop signal (p.Glu316Aspfs*99) in the TRMU gene. While this is not anticipated to result in nonsense mediated decay, it is expected to disrupt the last 106 amino acid(s) of the TRMU protein.

Literature cited by the submitters: PubMed 21931168.

NM_018006.5(TRMU):c.914_941dup (p.Glu316fs)

Gene: TRMU (tRNA mitochondrial 2-thiouridylase; plus strand). Cytogenetic location: 22q13.31.
Variant type: Duplication.
Coding change: c.914_941dup on transcript NM_018006.5 (MANE Select); coding-DNA positions 914 to 941, 28 bases duplicated (TGAGGACCAGCCGCGTGCACTGGATTGC).
Protein change: p.Glu316fs; shifts the reading frame from glutamic acid 316.
Molecular consequence: frameshift variant. On other transcripts: non-coding transcript variant (2).
Genome position (GRCh38, 1-based): chr22:46,355,484-46,355,511, TGAGGACCAGCCGCGTGCACTGGATTGC duplicated; duplicating any 28 consecutive bases within chr22:46,355,481-46,355,511 gives the same sequence; the c. name uses the placement nearest the transcript's 3' end. VCF-style (leftmost placement, unchanged base first): chr22-46355480-C-CTGCTGAGGACCAGCCGCGTGCACTGGAT. GRCh37 (hg19) VCF-style: chr22-46751377-C-CTGCTGAGGACCAGCCGCGTGCACTGGAT.
Other names: c.*358_*385dup (NM_001008568.2); c.*452_*479dup (NM_001008570.2); c.572_599dup, p.Glu202fs (NM_001282782.2); c.494_521dup, p.Glu176fs (NM_001282783.2, NM_001282784.2); c.914_941dup, p.Glu316fs (NM_001282785.2); short protein forms E316fs, E176fs, E202fs.
Identifiers: ClinVar variation 1963294 (VCV001963294.5), dbSNP rs2518211177, ClinGen allele CA2580099897.